The following is an entry in ClinVar:

ClinVar aggregate classification (germline): Likely benign. Review status: criteria provided, multiple submitters, no conflicts (2 of 4 stars). 2 submissions from 2 submitters: Likely benign (2). Last evaluated 2026-03-11.

Conditions:
Spastic paraplegia. Identifiers: MedGen C0037772, HP:0001258.

Allele frequency attached by ClinVar (database versions not stated): gnomAD 0.00002; gnomAD exomes 0.00002; TOPMed 0.00003.
gnomAD v4.1: 25 of 1,209,281 alleles (0.0021%); highest among the groups gnomAD compares: Non-Finnish European, 0.0028%; no homozygotes.

Submissions (2):

Women's Health and Genetics/Laboratory Corporation of America, LabCorp
Classification: Likely benign. Last evaluated: 2026-03-11. Review status: criteria provided, single submitter. Criteria: LabCorp Variant Classification Summary - May 2015. Collection method: clinical testing. Allele origin: germline.
Comment: Variant summary: L1CAM c.2565G>T (p.Glu855Asp) results in a conservative amino acid change in the encoded protein sequence. Algorithms developed to predict the effect of missense changes on protein structure and function all suggest that this variant is likely to be tolerated. The variant allele was found at a frequency of 2.1e-05 in 1209281 control chromosomes, including 10 hemizygotes. To our knowledge, no occurrence of c.2565G>T in individuals affected with L1CAM-related conditions and no experimental evidence demonstrating its impact on protein function have been reported. The following publication has been ascertained in the context of this evaluation (PMID: 36150389). ClinVar contains an entry for this variant (Variation ID: 1597129). Based on the evidence outlined above, the variant was classified as likely benign.

Labcorp Genetics (formerly Invitae), Labcorp
Classification: Likely benign for Spastic paraplegia. Last evaluated: 2022-12-10. Review status: criteria provided, single submitter. Criteria: Invitae Variant Classification Sherloc (09022015). Collection method: clinical testing. Allele origin: germline.

Literature cited by the submitters: PubMed 36150389 (cited by Women's Health and Genetics/Laboratory Corporation of America, LabCorp).

NM_001278116.2(L1CAM):c.2565G>T (p.Glu855Asp)

Gene: L1CAM (L1 cell adhesion molecule; minus strand). Cytogenetic location: Xq28.
Variant type: single nucleotide variant.
Coding change: c.2565G>T on transcript NM_001278116.2 (MANE Select); coding-DNA position 2565, G replaced by T.
Protein change: p.Glu855Asp; replaces glutamic acid 855 with aspartic acid.
Molecular consequence: missense variant.
Genome position (GRCh38, 1-based): chrX:153,865,483, C>A on the plus strand (G>T on the coding strand, the complement: L1CAM is on the minus strand). VCF-style: chrX-153865483-C-A. GRCh37 (hg19) VCF-style: chrX-153130938-C-A.
Other names: c.2565G>T, p.Glu855Asp (NM_000425.5, NM_024003.3); c.2550G>T, p.Glu850Asp (NM_001143963.2); short protein forms E850D, E855D.
Identifiers: ClinVar variation 1597129 (VCV001597129.9), dbSNP rs1486944844, ClinGen allele CA415116696.